The following is an entry in ClinVar:

ClinVar aggregate classification (germline): Uncertain significance (1 of 4 stars; one submission).

gnomAD v4.1: 1 of 1,614,064 alleles (0.000062%); highest among the groups gnomAD compares: Non-Finnish European, 0.000085%; no homozygotes.

Submission:

GeneDx
Classification: Uncertain significance. Last evaluated: 2025-02-16. Review status: criteria provided, single submitter. Criteria: GeneDx Variant Classification Process June 2021. Collection method: clinical testing. Allele origin: germline. Affected: yes.
Comment: Not observed at significant frequency in large population cohorts (gnomAD); In silico analysis supports that this missense variant has a deleterious effect on protein structure/function; Has not been previously published as pathogenic or benign to our knowledge

NM_001042603.3(KDM5A):c.417G>T (p.Trp139Cys)

Gene: KDM5A (lysine demethylase 5A; minus strand). Cytogenetic location: 12p13.33.
Variant type: single nucleotide variant.
Coding change: c.417G>T on transcript NM_001042603.3 (MANE Select); coding-DNA position 417, G replaced by T.
Protein change: p.Trp139Cys; replaces tryptophan 139 with cysteine.
Molecular consequence: missense variant.
Genome position (GRCh38, 1-based): chr12:366,054, C>A on the plus strand (G>T on the coding strand, the complement: KDM5A is on the minus strand). VCF-style: chr12-366054-C-A. GRCh37 (hg19) VCF-style: chr12-475220-C-A.
Other names: short protein forms W139C.
Identifiers: ClinVar variation 4075626 (VCV004075626.1).
Genomic context (GRCh38, chr12:366,054, plus strand): 5'-CTTCAAAAGAGACCCAGTTCCTTTTCCTGGCAGATATCCCAAGCGACTACCCACTTTAGA[C>A]CATTTCTTCTCTTTGGTGACCATTTCAAAACCTCCTTTGCTGGCAACAATCTGAAAAGAA-3'
Protein context (NP_001036068.1, residues 129-149): GFEMVTKEKK[Trp139Cys]SKVGSRLGYL